The following is an entry in ClinVar:

ClinVar aggregate classification (germline): Uncertain significance (1 of 4 stars; one submission).

Conditions:
SLC10A1-related disorder. Also called: SLC10A1-related condition.

gnomAD v4.1: 1 of 1,589,694 alleles (0.000063%); highest among the groups gnomAD compares: Non-Finnish European, 0.000085%; no homozygotes.

Submission:

PreventionGenetics, part of Exact Sciences
Classification: Uncertain significance for SLC10A1-related condition. Last evaluated: 2025-06-25. Review status: criteria provided, single submitter. Criteria: ACMG Guidelines, 2015. Collection method: clinical testing. Allele origin: germline.
Comment: The SLC10A1 c.743G>A variant is predicted to result in the amino acid substitution p.Gly248Glu. To our knowledge, this variant has not been reported in the literature or in a large population database (gnomAD), indicating this variant is rare. At this time, the clinical significance of this variant is uncertain due to the absence of conclusive functional and genetic evidence.

NM_003049.4(SLC10A1):c.743G>A (p.Gly248Glu)

Gene: SLC10A1 (solute carrier family 10 member 1; minus strand). Cytogenetic location: 14q24.1.
Variant type: single nucleotide variant.
Coding change: c.743G>A on transcript NM_003049.4 (MANE Select); coding-DNA position 743, G replaced by A.
Protein change: p.Gly248Glu; replaces glycine 248 with glutamic acid.
Molecular consequence: missense variant.
Genome position (GRCh38, 1-based): chr14:69,779,185, C>T on the plus strand (G>A on the coding strand, the complement: SLC10A1 is on the minus strand). VCF-style: chr14-69779185-C-T. GRCh37 (hg19) VCF-style: chr14-70245902-C-T.
Other names: short protein forms G248E.
Identifiers: ClinVar variation 4997863 (VCV004997863.1).